The following is an entry in ClinVar:

NM_058216.3(RAD51C):c.307T>A (p.Phe103Ile)

Gene: RAD51C (RAD51 paralog C; plus strand). Cytogenetic location: 17q22.
Variant type: single nucleotide variant.
Coding change: c.307T>A on transcript NM_058216.3 (MANE Select); coding-DNA position 307, T replaced by A.
Protein change: p.Phe103Ile; replaces phenylalanine 103 with isoleucine.
Molecular consequence: missense variant. On other transcripts: non-coding transcript variant (2).
Genome position (GRCh38, 1-based): chr17:58,695,092, T>A. VCF-style: chr17-58695092-T-A. GRCh37 (hg19) VCF-style: chr17-56772453-T-A.
Other names: c.307T>A, p.Phe103Ile (NM_002876.4); short protein forms F103I.
Identifiers: ClinVar variation 572145 (VCV000572145.8), dbSNP rs1114167446, ClinGen allele CA400341072.
Genomic context (GRCh38, chr17:58,695,092, plus strand): 5'-AAGAAGTGTACAGCACTGGAACTTCTTGAGCAGGAGCATACCCAGGGCTTCATAATCACC[T>A]TCTGTTCAGCACTAGATGATATTCTTGGGGGTGGAGTGCCCTTAATGAAAACAACAGAAA-3'
Protein context (NP_478123.1, residues 93-113): QEHTQGFIIT[Phe103Ile]CSALDDILGG

ClinVar aggregate classification (germline): Uncertain significance (1 of 4 stars; one submission).

Conditions:
Fanconi anemia complementation group O. Also called: RAD51C-Related Fanconi Anemia. Identifiers: Orphanet 84, MedGen C3150653, MONDO:0013248, OMIM 613390.

Allele frequency attached by ClinVar (database versions not stated): TOPMed below 0.00001; gnomAD 0.00001.
gnomAD v4.1: 1 of 1,613,974 alleles (0.000062%); no homozygotes.

Submission:

Labcorp Genetics (formerly Invitae), Labcorp
Classification: Uncertain significance for Fanconi anemia complementation group O. Last evaluated: 2022-02-18. Review status: criteria provided, single submitter. Criteria: Invitae Variant Classification Sherloc (09022015). Collection method: clinical testing. Allele origin: germline.
Comment: In summary, the available evidence is currently insufficient to determine the role of this variant in disease. Therefore, it has been classified as a Variant of Uncertain Significance. Algorithms developed to predict the effect of missense changes on protein structure and function are either unavailable or do not agree on the potential impact of this missense change (SIFT: "Tolerated"; PolyPhen-2: "Probably Damaging"; Align-GVGD: "Class C0"). ClinVar contains an entry for this variant (Variation ID: 572145). This variant has not been reported in the literature in individuals affected with RAD51C-related conditions. This variant is not present in population databases (gnomAD no frequency). This sequence change replaces phenylalanine, which is neutral and non-polar, with isoleucine, which is neutral and non-polar, at codon 103 of the RAD51C protein (p.Phe103Ile).